The following is an entry in ClinVar:

ClinVar aggregate classification (germline): Uncertain significance. Review status: criteria provided, multiple submitters, no conflicts (2 of 4 stars). 4 submissions from 4 submitters: Uncertain significance (3). 1 of the submissions does not count toward it. Last evaluated 2023-04-11.

Conditions:
Glycogen storage disease type III (GSD3). Also called: FORBES DISEASE; Cori disease. Identifiers: Orphanet 366, MedGen C0017922, MONDO:0009291, OMIM 232400.

Allele frequency attached by ClinVar (database versions not stated): gnomAD exomes below 0.00001; ExAC 0.00001.
gnomAD v4.1: 2 of 1,613,940 alleles (0.00012%); highest among the groups gnomAD compares: Non-Finnish European, 0.00017%; no homozygotes.

Submissions (4):

Genome-Nilou Lab
Classification: Uncertain significance for Glycogen storage disease type III. Last evaluated: 2023-04-11. Review status: criteria provided, single submitter. Criteria: ACMG Guidelines, 2015. Collection method: clinical testing. Allele origin: germline. Affected: no.

Labcorp Genetics (formerly Invitae), Labcorp
Classification: Uncertain significance for Glycogen storage disease type III. Last evaluated: 2022-03-11. Review status: criteria provided, single submitter. Criteria: Invitae Variant Classification Sherloc (09022015). Collection method: clinical testing. Allele origin: germline.
Comment: This sequence change replaces histidine, which is basic and polar, with proline, which is neutral and non-polar, at codon 735 of the AGL protein (p.His735Pro). This variant is present in population databases (rs749756974, gnomAD 0.0009%). This variant has not been reported in the literature in individuals affected with AGL-related conditions. ClinVar contains an entry for this variant (Variation ID: 645161). Algorithms developed to predict the effect of missense changes on protein structure and function are either unavailable or do not agree on the potential impact of this missense change (SIFT: "Deleterious"; PolyPhen-2: "Probably Damaging"; Align-GVGD: "Class C0"). In summary, the available evidence is currently insufficient to determine the role of this variant in disease. Therefore, it has been classified as a Variant of Uncertain Significance.

Fulgent Genetics
Classification: Uncertain significance for Glycogen storage disease type III. Last evaluated: 2021-08-16. Review status: criteria provided, single submitter. Criteria: ACMG Guidelines, 2015. Collection method: clinical testing. Allele origin: unknown.

Natera, Inc.
Classification: Uncertain significance for Glycogen storage disease type III. Last evaluated: 2020-03-08. Review status: no assertion criteria provided. Collection method: clinical testing. Allele origin: germline. Not counted in ClinVar's aggregate classification.

NM_000642.3(AGL):c.2204A>C (p.His735Pro)

Gene: AGL (amylo-alpha-1,6-glucosidase and 4-alpha-glucanotransferase; plus strand). Cytogenetic location: 1p21.2.
Variant type: single nucleotide variant.
Coding change: c.2204A>C on transcript NM_000642.3 (MANE Select); coding-DNA position 2204, A replaced by C.
Protein change: p.His735Pro; replaces histidine 735 with proline.
Molecular consequence: missense variant.
Genome position (GRCh38, 1-based): chr1:99,881,587, A>C. VCF-style: chr1-99881587-A-C. GRCh37 (hg19) VCF-style: chr1-100347143-A-C.
Other names: c.2204A>C, p.His735Pro (NM_000028.3, NM_000643.3, NM_000644.3 and 2 more transcripts); c.2156A>C, p.His719Pro (NM_000646.3); c.2003A>C, p.His668Pro (NM_001425327.1); c.2000A>C, p.His667Pro (NM_001425328.1, NM_001425329.1); c.1826A>C, p.His609Pro (NM_001425332.1); short protein forms H719P, H735P, H609P, H667P, H668P.
Identifiers: ClinVar variation 645161 (VCV000645161.11), dbSNP rs749756974, ClinGen allele CA966715.
Genomic context (GRCh38, chr1:99,881,587, plus strand): 5'-TTTCTGCTTCTCAGGTGTATGTGGATCAAGTTGATGAAGACATAGTGGCAGTAACAAGAC[A>C]CTCACCTAGCATCCATCAGTCTGTTGTGGCTGTATCTAGAACTGCTTTCAGGAATCCCAA-3'
Protein context (NP_000633.2, residues 725-745): VDEDIVAVTR[His735Pro]SPSIHQSVVA